The following is an entry in ClinVar:

NM_005055.5(RAPSN):c.997G>T (p.Glu333Ter)

Gene: RAPSN (receptor associated protein of the synapse; minus strand). Cytogenetic location: 11p11.2.
Variant type: single nucleotide variant.
Coding change: c.997G>T on transcript NM_005055.5 (MANE Select); coding-DNA position 997, G replaced by T.
Protein change: p.Glu333Ter; replaces glutamic acid 333 with a stop codon.
Molecular consequence: nonsense.
Genome position (GRCh38, 1-based): chr11:47,438,901, C>A on the plus strand (G>T on the coding strand, the complement: RAPSN is on the minus strand). VCF-style: chr11-47438901-C-A. GRCh37 (hg19) VCF-style: chr11-47460452-C-A.
Other names: c.820G>T, p.Glu274Ter (NM_032645.5); short protein forms E333*, E274*.
Identifiers: ClinVar variation 664620 (VCV000664620.15), dbSNP rs201947904, ClinGen allele CA5976532.
Genomic context (GRCh38, chr11:47,438,901, plus strand): 5'-GGAACCTCACAACGTGCGCCCGCAGTTCCCGCTGCAGCCCTTTGCTGCGGTAAATGCTCT[C>A]GCTCAGACAGTGCAGCTTGAGCTGGCTCAGCTGGGGCCCGCAGGAGTGGAGAGCGCCAGT-3'

ClinVar aggregate classification (germline): Pathogenic. Review status: criteria provided, multiple submitters, no conflicts (2 of 4 stars). 5 submissions from 5 submitters: Pathogenic (5). Last evaluated 2025-06-15.

Conditions:
Congenital myasthenic syndrome 11. Also called: MYASTHENIC SYNDROME, CONGENITAL, Ie; Myasthenic syndrome, congenital, 11, associated with acetylcholine receptor deficiency. Identifiers: Orphanet 590, MedGen C4225367, MONDO:0014588, OMIM 616326.
Fetal akinesia deformation sequence 1 (FADS1). Also called: Fetal akinesia sequence; Pena-Shokeir syndrome type I. Identifiers: Orphanet 994, MedGen C1276035, MONDO:0100101, OMIM 208150, HP:0001989.
Congenital myasthenic syndrome (CMS). Also called: Congenital Myasthenic Syndromes. Identifiers: Orphanet 590, MedGen C0751882, MeSH D020294, MONDO:0018940.
Fetal akinesia deformation sequence 2. Identifiers: MedGen C4760576, MONDO:0100102, OMIM 618388.

Allele frequency attached by ClinVar (database versions not stated): 1000 Genomes Project 0.00020; 1000 Genomes Project 30x 0.00031.
gnomAD v4.1: 6 of 1,562,646 alleles (0.00038%); highest among the groups gnomAD compares: Admixed American, 0.0096%; no homozygotes.

Submissions (5):

Labcorp Genetics (formerly Invitae), Labcorp
Classification: Pathogenic for Congenital myasthenic syndrome 11; Fetal akinesia deformation sequence 1. Last evaluated: 2025-06-15. Review status: criteria provided, single submitter. Criteria: Invitae Variant Classification Sherloc (09022015). Collection method: clinical testing. Allele origin: germline.
Comment: This sequence change creates a premature translational stop signal (p.Glu333*) in the RAPSN gene. It is expected to result in an absent or disrupted protein product. Loss-of-function variants in RAPSN are known to be pathogenic (PMID: 17686188). The frequency data for this variant in the population databases is considered unreliable, as metrics indicate poor data quality at this position in the gnomAD database. This premature translational stop signal has been observed in individual(s) with RAPSN-related disease (PMID: 15036330). In at least one individual the data is consistent with being in trans (on the opposite chromosome) from a pathogenic variant. ClinVar contains an entry for this variant (Variation ID: 664620). Algorithms developed to predict the effect of sequence changes on RNA splicing suggest that this variant may disrupt the consensus splice site. For these reasons, this variant has been classified as Pathogenic.

Women's Health and Genetics/Laboratory Corporation of America, LabCorp
Classification: Pathogenic for Congenital myasthenic syndrome. Last evaluated: 2024-09-09. Review status: criteria provided, single submitter. Criteria: LabCorp Variant Classification Summary - May 2015. Collection method: clinical testing. Allele origin: germline.
Comment: Variant summary: RAPSN c.997G>T (p.Glu333X) results in a premature termination codon, predicted to cause absence of the protein due to nonsense mediated decay, which is a commonly known mechanism for disease. The variant allele was found at a frequency of 2.9e-05 in 171062 control chromosomes, predominantly at a frequency of 0.00019 within the Latino subpopulation in the gnomAD database. c.997G>T has been reported in the literature in at-least one individual affected with Congenital Myasthenic Syndrome (example, Banwell_ND). To our knowledge, no experimental evidence demonstrating an impact on protein function has been reported. The following publication has been ascertained in the context of this evaluation (PMID: 15036330). ClinVar contains an entry for this variant (Variation ID: 664620). Based on the evidence outlined above, the variant was classified as pathogenic.

Fulgent Genetics
Classification: Pathogenic for Congenital myasthenic syndrome 11; Fetal akinesia deformation sequence 2. Last evaluated: 2024-04-08. Review status: criteria provided, single submitter. Criteria: ACMG Guidelines, 2015. Collection method: clinical testing. Allele origin: germline.

Natera, Inc.
Classification: Pathogenic for Congenital myasthenic syndrome. Last evaluated: 2024-04-06. Review status: criteria provided, single submitter. Criteria: Natera Variant Classification Schema (03/2026). Collection method: clinical testing. Allele origin: germline.
Comment: The c.997G>T variant in RAPSN is a nonsense variant predicted to introduce a stop codon at amino acid 333. This variant is expected to result in nonsense mediated decay, truncation, or a dysfunctional protein product. This variant is rare in the general population with a frequency below the threshold expected for the associated phenotype(s). This variant has been observed in one or more individuals affected with the associated recessive disease, as either homozygous or compound heterozygous with a second variant (PMID: 15036330). Given the available evidence, this variant is classified as Pathogenic.

Baylor Genetics
Classification: Pathogenic for Fetal akinesia deformation sequence 2. Last evaluated: 2024-03-30. Review status: criteria provided, single submitter. Criteria: ACMG Guidelines, 2015. Collection method: clinical testing. Allele origin: unknown.

Literature cited by the submitters: PubMed 17686188 (cited by Labcorp Genetics (formerly Invitae), Labcorp); PubMed 15036330 (cited by 3 submitters).